The following is an entry in ClinVar:

ClinVar aggregate classification (germline): Uncertain significance (1 of 4 stars; one submission).

Conditions:
Rhabdoid tumor predisposition syndrome 2 (RTPS2). Identifiers: Orphanet 231108, Orphanet 69077, MedGen C2750074, MONDO:0013224, OMIM 613325.

Submission:

Labcorp Genetics (formerly Invitae), Labcorp
Classification: Uncertain significance for Rhabdoid tumor predisposition syndrome 2. Last evaluated: 2025-07-24. Review status: criteria provided, single submitter. Criteria: Invitae Variant Classification Sherloc (09022015). Collection method: clinical testing. Allele origin: germline.
Comment: This sequence change replaces glutamine, which is neutral and polar, with arginine, which is basic and polar, at codon 1586 of the SMARCA4 protein (p.Gln1586Arg). This variant is not present in population databases (gnomAD no frequency). This variant has not been reported in the literature in individuals affected with SMARCA4-related conditions. Invitae Evidence Modeling of protein sequence and biophysical properties (such as structural, functional, and spatial information, amino acid conservation, physicochemical variation, residue mobility, and thermodynamic stability) has been performed for this missense variant. However, the output from this modeling did not meet the statistical confidence thresholds required to predict the impact of this variant on SMARCA4 protein function. In summary, the available evidence is currently insufficient to determine the role of this variant in disease. Therefore, it has been classified as a Variant of Uncertain Significance.

NM_003072.5(SMARCA4):c.4661A>G (p.Gln1554Arg)

Gene: SMARCA4 (SWI/SNF related BAF chromatin remodeling complex subunit ATPase 4; plus strand). Cytogenetic location: 19p13.2.
Variant type: single nucleotide variant.
Coding change: c.4661A>G on transcript NM_003072.5 (MANE Select); coding-DNA position 4661, A replaced by G.
Protein change: p.Gln1554Arg; replaces glutamine 1554 with arginine.
Molecular consequence: missense variant. On other transcripts: non-coding transcript variant (1).
Genome position (GRCh38, 1-based): chr19:11,059,778, A>G. VCF-style: chr19-11059778-A-G. GRCh37 (hg19) VCF-style: chr19-11170454-A-G.
Other names: c.4661A>G, p.Gln1554Arg (NM_001128844.3); c.4571A>G, p.Gln1524Arg (NM_001128845.2); c.4568A>G, p.Gln1523Arg (NM_001128846.2); c.4562A>G, p.Gln1521Arg (NM_001128847.4, NM_001374457.1); c.4559A>G, p.Gln1520Arg (NM_001128848.2); c.4757A>G, p.Gln1586Arg (NM_001128849.3, NM_001387283.1); c.4658A>G, p.Gln1553Arg (NM_001411150.1); short protein forms Q1586R, Q1521R, Q1524R, Q1520R, Q1523R, Q1553R, Q1554R.
Identifiers: ClinVar variation 4781609 (VCV004781609.1).
Genomic context (GRCh38, chr19:11,059,778, plus strand): 5'-GCCCATCCACTCAAGCCCCTGGTGTCTCTGCCCAGATCTATGAAGACTCCATCGTCTTGC[A>G]GTCGGTCTTCACCAGCGTGCGGCAGAAAATCGAGAAGGAGGATGACAGTGAAGGCGAGGA-3'
Protein context (NP_003063.2, residues 1544-1564): SLIYEDSIVL[Gln1554Arg]SVFTSVRQKI